The following is an entry in ClinVar:

NM_004453.4(ETFDH):c.1786G>A (p.Asp596Asn)

Gene: ETFDH (electron transfer flavoprotein dehydrogenase; plus strand). Cytogenetic location: 4q32.1.
Variant type: single nucleotide variant.
Coding change: c.1786G>A on transcript NM_004453.4 (MANE Select); coding-DNA position 1786, G replaced by A.
Protein change: p.Asp596Asn; replaces aspartic acid 596 with asparagine.
Molecular consequence: missense variant.
Genome position (GRCh38, 1-based): chr4:158,708,459, G>A. VCF-style: chr4-158708459-G-A. GRCh37 (hg19) VCF-style: chr4-159629611-G-A.
Other names: c.1645G>A, p.Asp549Asn (NM_001281737.2); c.1603G>A, p.Asp535Asn (NM_001281738.1); short protein forms D596N, D535N, D549N.
Identifiers: ClinVar variation 1481977 (VCV001481977.9), dbSNP rs1165102742, ClinGen allele CA358566765.

ClinVar aggregate classification (germline): Likely pathogenic. Review status: criteria provided, multiple submitters, no conflicts (2 of 4 stars). 2 submissions from 2 submitters: Likely pathogenic (2). Last evaluated 2024-06-10.

Conditions:
Multiple acyl-CoA dehydrogenase deficiency (MADD). Also called: Glutaric aciduria, type 2; ETHYLMALONIC-ADIPICACIDURIA; GA II; Glutaric Acidemia type 2; Glutaric acidemia type II; GA 2. Identifiers: Orphanet 26791, MedGen C0268596, MONDO:0009282, OMIM 231680.

Allele frequency attached by ClinVar (database versions not stated): gnomAD exomes below 0.00001; gnomAD 0.00001.

Submissions (2):

Fulgent Genetics
Classification: Likely pathogenic for Multiple acyl-CoA dehydrogenase deficiency. Last evaluated: 2024-06-10. Review status: criteria provided, single submitter. Criteria: ACMG Guidelines, 2015. Collection method: clinical testing. Allele origin: germline.

Labcorp Genetics (formerly Invitae), Labcorp
Classification: Likely pathogenic for Multiple acyl-CoA dehydrogenase deficiency. Last evaluated: 2023-10-29. Review status: criteria provided, single submitter. Criteria: Invitae Variant Classification Sherloc (09022015). Collection method: clinical testing. Allele origin: germline.
Comment: This sequence change replaces aspartic acid, which is acidic and polar, with asparagine, which is neutral and polar, at codon 596 of the ETFDH protein (p.Asp596Asn). This variant is present in population databases (no rsID available, gnomAD 0.007%). This missense change has been observed in individual(s) with multiple acyl-CoA dehydrogenase deficiency (PMID: 22041377). In at least one individual the data is consistent with being in trans (on the opposite chromosome) from a pathogenic variant. ClinVar contains an entry for this variant (Variation ID: 1481977). Advanced modeling of protein sequence and biophysical properties (such as structural, functional, and spatial information, amino acid conservation, physicochemical variation, residue mobility, and thermodynamic stability) performed at Invitae indicates that this missense variant is expected to disrupt ETFDH protein function with a positive predictive value of 80%. In summary, the currently available evidence indicates that the variant is pathogenic, but additional data are needed to prove that conclusively. Therefore, this variant has been classified as Likely Pathogenic.

Literature cited by the submitters: PubMed 22041377 (cited by Labcorp Genetics (formerly Invitae), Labcorp).